The following is an entry in ClinVar:

NM_022095.4(ZNF335):c.3840C>T (p.Ser1280=)

Gene: ZNF335 (zinc finger protein 335; minus strand). Cytogenetic location: 20q13.12.
Variant type: single nucleotide variant.
Coding change: c.3840C>T on transcript NM_022095.4 (MANE Select); coding-DNA position 3840, C replaced by T.
Protein change: p.Ser1280=; no amino-acid change (serine 1280 retained).
Molecular consequence: synonymous variant.
Genome position (GRCh38, 1-based): chr20:45,949,231, G>A on the plus strand (C>T on the coding strand, the complement: ZNF335 is on the minus strand). VCF-style: chr20-45949231-G-A. GRCh37 (hg19) VCF-style: chr20-44577870-G-A.
Identifiers: ClinVar variation 3046605 (VCV003046605.2), dbSNP rs765257687, ClinGen allele CA9884811.

ClinVar aggregate classification (germline): Likely benign (0 of 4 stars; one submission).

Conditions:
ZNF335-related disorder. Also called: ZNF335-related condition.

Allele frequency attached by ClinVar (database versions not stated): TOPMed below 0.00001; ExAC 0.00001.
gnomAD v4.1: 9 of 1,613,868 alleles (0.00056%); highest among the groups gnomAD compares: Non-Finnish European, 0.00076%; no homozygotes.

Submission:

PreventionGenetics, part of Exact Sciences
Classification: Likely benign for ZNF335-related condition. Last evaluated: 2019-04-24. Review status: no assertion criteria provided. Collection method: clinical testing. Allele origin: germline.
Comment: This variant is classified as likely benign based on ACMG/AMP sequence variant interpretation guidelines (Richards et al. 2015 PMID: 25741868, with internal and published modifications).